The following is an entry in ClinVar:

NM_001387430.1(SH2B1):c.137G>T (p.Arg46Leu)

Gene: SH2B1 (SH2B adaptor protein 1; plus strand). Cytogenetic location: 16p11.2.
Variant type: single nucleotide variant.
Coding change: c.137G>T on transcript NM_001387430.1 (MANE Select); coding-DNA position 137, G replaced by T.
Protein change: p.Arg46Leu; replaces arginine 46 with leucine.
Molecular consequence: missense variant. On other transcripts: intron variant (1).
Genome position (GRCh38, 1-based): chr16:28,866,231, G>T. VCF-style: chr16-28866231-G-T. GRCh37 (hg19) VCF-style: chr16-28877552-G-T.
Other names: c.137G>T, p.Arg46Leu (NM_001145795.2, NM_001145796.2, NM_001145797.2 and 4 more transcripts); c.-26-1143G>T (NM_001308294.2); short protein forms R46L.
Identifiers: ClinVar variation 4986720 (VCV004986720.1).

ClinVar aggregate classification (germline): Uncertain significance (1 of 4 stars; one submission).

Conditions:
SH2B1-related disorder. Also called: SH2B1-related condition.

Submission:

PreventionGenetics, part of Exact Sciences
Classification: Uncertain significance for SH2B1-related condition. Last evaluated: 2024-12-11. Review status: criteria provided, single submitter. Criteria: ACMG Guidelines, 2015. Collection method: clinical testing. Allele origin: germline.
Comment: The SH2B1 c.137G>T variant is predicted to result in the amino acid substitution p.Arg46Leu. To our knowledge, this variant has not been reported in the literature or in a large population database (gnomAD), indicating this variant is rare. At this time, the clinical significance of this variant is uncertain due to the absence of conclusive functional and genetic evidence.